The following is an entry in ClinVar:

ClinVar aggregate classification (germline): Uncertain significance (1 of 4 stars; one submission).

Conditions:
Primary ciliary dyskinesia. Also called: Ciliary dyskinesia. Identifiers: Orphanet 244, MedGen C0008780, MONDO:0016575, HP:0012265.

Allele frequency attached by ClinVar (database versions not stated): gnomAD exomes below 0.00001.
gnomAD v4.1: 1 of 1,614,084 alleles (0.000062%); highest among the groups gnomAD compares: Non-Finnish European, 0.000085%; no homozygotes.

Submission:

Labcorp Genetics (formerly Invitae), Labcorp
Classification: Uncertain significance for Primary ciliary dyskinesia. Last evaluated: 2018-11-01. Review status: criteria provided, single submitter. Criteria: Invitae Variant Classification Sherloc (09022015). Collection method: clinical testing. Allele origin: germline.
Comment: In summary, the available evidence is currently insufficient to determine the role of this variant in disease. Therefore, it has been classified as a Variant of Uncertain Significance. Algorithms developed to predict the effect of missense changes on protein structure and function are either unavailable or do not agree on the potential impact of this missense change (SIFT: "Deleterious"; PolyPhen-2: "Possibly Damaging"; Align-GVGD: "Class C0"). This variant has not been reported in the literature in individuals with DNAH5-related disease. This variant is not present in population databases (ExAC no frequency). This sequence change replaces leucine with serine at codon 1800 of the DNAH5 protein (p.Leu1800Ser). The leucine residue is highly conserved and there is a large physicochemical difference between leucine and serine.

NM_001369.3(DNAH5):c.5399T>C (p.Leu1800Ser)

Gene: DNAH5 (dynein axonemal heavy chain 5; minus strand). Cytogenetic location: 5p15.2.
Variant type: single nucleotide variant.
Coding change: c.5399T>C on transcript NM_001369.3 (MANE Select); coding-DNA position 5399, T replaced by C.
Protein change: p.Leu1800Ser; replaces leucine 1800 with serine.
Molecular consequence: missense variant.
Genome position (GRCh38, 1-based): chr5:13,841,777, A>G on the plus strand (T>C on the coding strand, the complement: DNAH5 is on the minus strand). VCF-style: chr5-13841777-A-G. GRCh37 (hg19) VCF-style: chr5-13841886-A-G.
Other names: short protein forms L1800S.
Identifiers: ClinVar variation 642201 (VCV000642201.7), dbSNP rs1580524265, ClinGen allele CA359211482.
Genomic context (GRCh38, chr5:13,841,777, plus strand): 5'-TCAGTTAGTTGGAAACCTGTTTCTTGAATATTTGCGGCTGCCTGGCGAATCACAAGATGC[A>G]ATGAGGACTGAGATTCTTCCAAAAGAGAATTAAGCCAAACTTCCACATTGCCCTCTGCCA-3'
Protein context (NP_001360.1, residues 1790-1810): NSLLEESQSS[Leu1800Ser]HLVIRQAAAN